The following is an entry in ClinVar:

NM_005751.5(AKAP9):c.2230G>A (p.Glu744Lys)

Gene: AKAP9 (A-kinase anchoring protein 9; plus strand). Cytogenetic location: 7q21.2.
Variant type: single nucleotide variant.
Coding change: c.2230G>A on transcript NM_005751.5 (MANE Select); coding-DNA position 2230, G replaced by A.
Protein change: p.Glu744Lys; replaces glutamic acid 744 with lysine.
Molecular consequence: missense variant.
Genome position (GRCh38, 1-based): chr7:92,002,147, G>A. VCF-style: chr7-92002147-G-A. GRCh37 (hg19) VCF-style: chr7-91631461-G-A.
Other names: c.2230G>A, p.Glu744Lys (NM_147185.3); short protein forms E744K.
Identifiers: ClinVar variation 191514 (VCV000191514.13), dbSNP rs202091548, ClinGen allele CA236858.
Genomic context (GRCh38, chr7:92,002,147, plus strand): 5'-CTTCAAAAAGAAATTGAAATACTCAGACAAGAAGAAAAAGAAAAGGGTACACTTGAACAA[G>A]AAGTTCAAGAATTACAACTTAAAACAGAATTGTTAGAAAAACAGATGAAGGAAAAAGAGA-3'
Protein context (NP_005742.4, residues 734-754): EEKEKGTLEQ[Glu744Lys]VQELQLKTEL

ClinVar aggregate classification (germline): Conflicting classifications of pathogenicity. Review status: criteria provided, conflicting classifications (1 of 4 stars). 3 submissions from 3 submitters: Uncertain significance (1); Likely benign (2). Last evaluated 2025-08-28.

Conditions:
Cardiovascular phenotype. Identifiers: MedGen CN230736.
Long QT syndrome (LQTS). Identifiers: MedGen C0023976, MeSH D008133, MONDO:0002442. Disease mechanism: loss of function. Inheritance: Various modes of inheritance.

Allele frequency attached by ClinVar (database versions not stated): ExAC 0.00008; gnomAD exomes 0.00008; TOPMed 0.00008; ESP Exome Variant Server 0.00016; gnomAD 0.00016.
gnomAD v4.1: 273 of 1,590,216 alleles (0.017%); highest among the groups gnomAD compares: Non-Finnish European, 0.022%; no homozygotes.

Submissions (3):

Labcorp Genetics (formerly Invitae), Labcorp
Classification: Uncertain significance for Long QT syndrome. Last evaluated: 2025-08-28. Review status: criteria provided, single submitter. Criteria: Invitae Variant Classification Sherloc (09022015). Collection method: clinical testing. Allele origin: germline.
Comment: This sequence change replaces glutamic acid, which is acidic and polar, with lysine, which is basic and polar, at codon 744 of the AKAP9 protein (p.Glu744Lys). This variant is present in population databases (rs202091548, gnomAD 0.02%). This variant has not been reported in the literature in individuals affected with AKAP9-related conditions. ClinVar contains an entry for this variant (Variation ID: 191514). An algorithm developed to predict the effect of missense changes on protein structure and function (PolyPhen-2) suggests that this variant is likely to be disruptive. In summary, the available evidence is currently insufficient to determine the role of this variant in disease. Therefore, it has been classified as a Variant of Uncertain Significance.

Ambry Genetics
Classification: Likely benign for Cardiovascular phenotype. Last evaluated: 2022-08-30. Review status: criteria provided, single submitter. Criteria: Ambry Variant Classification Scheme 2023. Collection method: clinical testing. Allele origin: germline.

Biesecker Lab/Clinical Genomics Section, National Institutes of Health
Classification: Likely benign. Last evaluated: 2013-06-24. Review status: criteria provided, single submitter. Criteria: Ng et al. (Circ Cardiovasc Genet. 2013). Collection method: research. Allele origin: unknown. Observed: 1 variant allele. Study: ClinSeq.
Comment: The study set was not selected for affection status in relation to any cancer. Pathogenicity categories were based on literature curation. See Pubmed ID:23861362 for details.

Medical sequencing

Literature cited by the submitters: PubMed 23861362 (cited by Ambry Genetics).